The following is an entry in ClinVar:

NC_000023.10:g.(?_31947693)_(31986651_?)dup

Gene: DMD (dystrophin; minus strand). Cytogenetic location: Xp21.1.
Variant type: Duplication.
Identifiers: ClinVar variation 2424972 (VCV002424972.2).

ClinVar aggregate classification (germline): Pathogenic (1 of 4 stars; one submission).

Conditions:
Duchenne muscular dystrophy (DMD). Also called: Duchenne Muscular Dystrophy (DMD); MUSCULAR DYSTROPHY, PSEUDOHYPERTROPHIC PROGRESSIVE, DUCHENNE TYPE. Identifiers: Orphanet 98896, MedGen C0013264, MONDO:0010679, OMIM 310200.

Submission:

Labcorp Genetics (formerly Invitae), Labcorp
Classification: Pathogenic for Duchenne muscular dystrophy. Last evaluated: 2023-03-14. Review status: criteria provided, single submitter. Criteria: Invitae Variant Classification Sherloc (09022015). Collection method: clinical testing. Allele origin: germline.
Comment: For these reasons, this variant has been classified as Pathogenic. A similar copy number variant has been observed in individuals with DMD-related conditions (PMID: 16917894, 25972034, 32194622). This variant results in a copy number gain of the genomic region encompassing exon(s) 45-47 of the DMD gene. While the exact position of this variant cannot be determined from the data, sub-genic copy number gains are generally in tandem (PMID: 25640679). This variant is predicted to be in-frame, and likely preserves the integrity of the reading frame.

Literature cited by the submitters: PubMed 16917894; PubMed 25972034; PubMed 32194622; PubMed 25640679.